The following is an entry in ClinVar:

NM_172107.4(KCNQ2):c.2110C>T (p.Pro704Ser)

Gene: KCNQ2 (potassium voltage-gated channel subfamily Q member 2; minus strand). Cytogenetic location: 20q13.33.
Variant type: single nucleotide variant.
Coding change: c.2110C>T on transcript NM_172107.4 (MANE Select); coding-DNA position 2110, C replaced by T.
Protein change: p.Pro704Ser; replaces proline 704 with serine.
Molecular consequence: missense variant.
Genome position (GRCh38, 1-based): chr20:63,407,153, G>A on the plus strand (C>T on the coding strand, the complement: KCNQ2 is on the minus strand). VCF-style: chr20-63407153-G-A. GRCh37 (hg19) VCF-style: chr20-62038506-G-A.
Other names: c.2164C>T, p.Pro722Ser (NM_001382235.1); c.2026C>T, p.Pro676Ser (NM_004518.6); c.2056C>T, p.Pro686Ser (NM_172106.3); c.2017C>T, p.Pro673Ser (NM_172108.5); short protein forms P673S, P676S, P686S, P704S, P722S.
Identifiers: ClinVar variation 1311778 (VCV001311778.2), dbSNP rs1242898915, ClinGen allele CA409638969.

ClinVar aggregate classification (germline): Uncertain significance (1 of 4 stars; one submission).

Allele frequency attached by ClinVar (database versions not stated): gnomAD exomes 0.00001.
gnomAD v4.1: 11 of 1,586,542 alleles (0.00069%); highest among the groups gnomAD compares: South Asian, 0.0011%; no homozygotes.

Submission:

GeneDx
Classification: Uncertain significance. Last evaluated: 2019-12-31. Review status: criteria provided, single submitter. Criteria: GeneDx Variant Classification Process June 2021. Collection method: clinical testing. Allele origin: germline. Affected: yes.
Comment: The majority of missense variants in this gene are considered pathogenic (Stenson et al., 2014); This substitution is predicted to be in the C-terminal cytoplasmic domain; In silico analysis, which includes protein predictors and evolutionary conservation, supports that this variant does not alter protein structure/function; No data available from control populations to assess the frequency of this variant; Has not been previously published as pathogenic or benign to our knowledge